The following is an entry in ClinVar:

ClinVar aggregate classification (germline): Uncertain significance (1 of 4 stars; one submission).

Allele frequency attached by ClinVar (database versions not stated): 1000 Genomes Project 30x 0.00016.
gnomAD v4.1: 64 of 1,539,194 alleles (0.0042%); highest among the groups gnomAD compares: Middle Eastern, 0.12%; 2 homozygotes.

Submission:

Labcorp Genetics (formerly Invitae), Labcorp
Classification: Uncertain significance. Last evaluated: 2024-12-02. Review status: criteria provided, single submitter. Criteria: Invitae Variant Classification Sherloc (09022015). Collection method: clinical testing. Allele origin: germline.
Comment: This sequence change replaces proline, which is neutral and non-polar, with leucine, which is neutral and non-polar, at codon 1101 of the COL18A1 protein (p.Pro1101Leu). This variant is present in population databases (rs187670025, gnomAD 0.01%). This variant has not been reported in the literature in individuals affected with COL18A1-related conditions. ClinVar contains an entry for this variant (Variation ID: 1053951). Experimental studies and prediction algorithms are not available or were not evaluated, and the functional significance of this variant is currently unknown. In summary, the available evidence is currently insufficient to determine the role of this variant in disease. Therefore, it has been classified as a Variant of Uncertain Significance.

NM_001379500.1(COL18A1):c.3311C>T (p.Pro1104Leu)

Genes: COL18A1 (collagen type XVIII alpha 1 chain; plus strand), SLC19A1 (solute carrier family 19 member 1; minus strand). Cytogenetic location: 21q22.3.
Variant type: single nucleotide variant.
Coding change: c.3311C>T on transcript NM_001379500.1 (MANE Select); coding-DNA position 3311, C replaced by T.
Protein change: p.Pro1104Leu; replaces proline 1104 with leucine.
Molecular consequence: missense variant.
Genome position (GRCh38, 1-based): chr21:45,509,417, C>T. VCF-style: chr21-45509417-C-T. GRCh37 (hg19) VCF-style: chr21-46929331-C-T.
Other names: c.3842C>T, p.Pro1281Leu (NM_030582.4); c.4547C>T, p.Pro1516Leu (NM_130444.3); short protein forms P1104L, P1281L, P1516L.
Identifiers: ClinVar variation 1053951 (VCV001053951.5), dbSNP rs187670025, ClinGen allele CA10067849.